The following is an entry in ClinVar:

ClinVar aggregate classification (germline): Uncertain significance (1 of 4 stars; one submission).

Conditions:
2-aminoadipic 2-oxoadipic aciduria (AAKAD). Also called: ALPHA-AMINOADIPIC AND ALPHA-KETOADIPIC ACIDURIA; Aminoadipic aciduria. Identifiers: Orphanet 79154, MedGen C1859817, MONDO:0008774, OMIM 204750.

Allele frequency attached by ClinVar (database versions not stated): gnomAD exomes below 0.00001; TOPMed below 0.00001.

Submission:

Labcorp Genetics (formerly Invitae), Labcorp
Classification: Uncertain significance for 2-aminoadipic 2-oxoadipic aciduria. Last evaluated: 2025-03-07. Review status: criteria provided, single submitter. Criteria: Invitae Variant Classification Sherloc (09022015). Collection method: clinical testing. Allele origin: germline.
Comment: This sequence change replaces phenylalanine, which is neutral and non-polar, with leucine, which is neutral and non-polar, at codon 273 of the DHTKD1 protein (p.Phe273Leu). This variant is not present in population databases (gnomAD no frequency). This variant has not been reported in the literature in individuals affected with DHTKD1-related conditions. ClinVar contains an entry for this variant (Variation ID: 2159767). An algorithm developed to predict the effect of missense changes on protein structure and function (PolyPhen-2) suggests that this variant is likely to be tolerated. In summary, the available evidence is currently insufficient to determine the role of this variant in disease. Therefore, it has been classified as a Variant of Uncertain Significance.

NM_018706.7(DHTKD1):c.817T>C (p.Phe273Leu)

Gene: DHTKD1 (dehydrogenase E1 and transketolase domain containing 1; plus strand). Cytogenetic location: 10p14.
Variant type: single nucleotide variant.
Coding change: c.817T>C on transcript NM_018706.7 (MANE Select); coding-DNA position 817, T replaced by C.
Protein change: p.Phe273Leu; replaces phenylalanine 273 with leucine.
Molecular consequence: missense variant.
Genome position (GRCh38, 1-based): chr10:12,089,085, T>C. VCF-style: chr10-12089085-T-C. GRCh37 (hg19) VCF-style: chr10-12131084-T-C.
Other names: short protein forms F273L.
Identifiers: ClinVar variation 2159767 (VCV002159767.4), dbSNP rs1832948298, ClinGen allele CA376018568.
Genomic context (GRCh38, chr10:12,089,085, plus strand): 5'-GAGAATTTCTCAGCCACTGGAGACGTCCTGTCTCACCTGACCTCCTCTGTGGACCTGTAC[T>C]TTGGGGCGCACCATCCCCTCCATGTGACAATGTTGCCCAATCCCTCGCACCTGGAGGCCG-3'
Protein context (NP_061176.4, residues 263-283): SHLTSSVDLY[Phe273Leu]GAHHPLHVTM